The following is an entry in ClinVar:

NM_007078.3(LDB3):c.742G>C (p.Ala248Pro)

Gene: LDB3 (LIM domain binding 3; plus strand). Cytogenetic location: 10q23.2.
Variant type: single nucleotide variant.
Coding change: c.742G>C on transcript NM_007078.3 (MANE Select); coding-DNA position 742, G replaced by C.
Protein change: p.Ala248Pro; replaces alanine 248 with proline.
Molecular consequence: missense variant.
Genome position (GRCh38, 1-based): chr10:86,691,948, G>C. VCF-style: chr10-86691948-G-C. GRCh37 (hg19) VCF-style: chr10-88451705-G-C.
Other names: c.601G>C, p.Ala201Pro (NM_001080114.2, NM_001080116.1, NM_001368066.1 and 2 more transcripts); c.742G>C, p.Ala248Pro (NM_001080115.2, NM_001368063.1, NM_001368064.1 and 1 more transcripts); c.946G>C, p.Ala316Pro (NM_001171610.2, NM_001171611.2); short protein forms A201P, A248P, A316P.
Identifiers: ClinVar variation 4739878 (VCV004739878.1).

ClinVar aggregate classification (germline): Uncertain significance (1 of 4 stars; one submission).

Conditions:
Myofibrillar myopathy 4. Also called: Zaspopathy (type). Identifiers: Orphanet 98912, MedGen C4721886, MONDO:0012277, OMIM 609452.

gnomAD v4.1: 9 of 1,614,064 alleles (0.00056%); highest among the groups gnomAD compares: Non-Finnish European, 0.00076%; no homozygotes.

Submission:

Labcorp Genetics (formerly Invitae), Labcorp
Classification: Uncertain significance for Myofibrillar myopathy 4. Last evaluated: 2025-05-18. Review status: criteria provided, single submitter. Criteria: Invitae Variant Classification Sherloc (09022015). Collection method: clinical testing. Allele origin: germline.
Comment: This sequence change replaces alanine, which is neutral and non-polar, with proline, which is neutral and non-polar, at codon 201 of the LDB3 protein (p.Ala201Pro). This variant is not present in population databases (gnomAD no frequency). This variant has not been reported in the literature in individuals affected with LDB3-related conditions. An algorithm developed to predict the effect of missense changes on protein structure and function (PolyPhen-2) suggests that this variant is likely to be disruptive. In summary, the available evidence is currently insufficient to determine the role of this variant in disease. Therefore, it has been classified as a Variant of Uncertain Significance.